The following is an entry in ClinVar:

NM_001378454.1(ALMS1):c.7844G>A (p.Gly2615Glu)

Gene: ALMS1 (ALMS1 centrosome and basal body associated protein; plus strand). Cytogenetic location: 2p13.1.
Variant type: single nucleotide variant.
Coding change: c.7844G>A on transcript NM_001378454.1 (MANE Select); coding-DNA position 7844, G replaced by A.
Protein change: p.Gly2615Glu; replaces glycine 2615 with glutamic acid.
Molecular consequence: missense variant.
Genome position (GRCh38, 1-based): chr2:73,489,803, G>A. VCF-style: chr2-73489803-G-A. GRCh37 (hg19) VCF-style: chr2-73716930-G-A.
Other names: c.7847G>A, p.Gly2616Glu (NM_015120.4); short protein forms G2615E, G2616E.
Identifiers: ClinVar variation 2197262 (VCV002197262.3), dbSNP rs1451581144, ClinGen allele CA347265941.

ClinVar aggregate classification (germline): Uncertain significance. Review status: criteria provided, multiple submitters, no conflicts (2 of 4 stars). 3 submissions from 3 submitters: Uncertain significance (3). Last evaluated 2026-06-08.

Conditions:
Cardiovascular phenotype. Identifiers: MedGen CN230736.
Alstrom syndrome (ALMS). Identifiers: Orphanet 64, MedGen C0268425, MONDO:0008763, OMIM 203800.

Allele frequency attached by ClinVar (database versions not stated): gnomAD 0.00001; TOPMed below 0.00001; gnomAD exomes below 0.00001.
gnomAD v4.1: 3 of 1,613,972 alleles (0.00019%); highest among the groups gnomAD compares: Non-Finnish European, 0.00025%; no homozygotes.

Submissions (3):

Ambry Genetics
Classification: Uncertain significance for Cardiovascular phenotype. Last evaluated: 2026-06-08. Review status: criteria provided, single submitter. Criteria: Ambry Variant Classification Scheme 2023. Collection method: clinical testing. Allele origin: germline.
Comment: The p.G2616E variant (also known as c.7847G>A), located in coding exon 10 of the ALMS1 gene, results from a G to A substitution at nucleotide position 7847. The glycine at codon 2616 is replaced by glutamic acid, an amino acid with similar properties. This amino acid position is well conserved in available vertebrate species. In addition, this alteration is predicted to be tolerated by in silico analysis. Based on the available evidence, the clinical significance of this variant remains unclear.

GeneDx
Classification: Uncertain significance. Last evaluated: 2025-02-06. Review status: criteria provided, single submitter. Criteria: GeneDx Variant Classification Process June 2021. Collection method: clinical testing. Allele origin: germline. Affected: yes.
Comment: Not observed at significant frequency in large population cohorts (gnomAD); In silico analysis supports that this missense variant has a deleterious effect on protein structure/function; Has not been previously published as pathogenic or benign to our knowledge

Labcorp Genetics (formerly Invitae), Labcorp
Classification: Uncertain significance for Alstrom syndrome. Last evaluated: 2022-02-19. Review status: criteria provided, single submitter. Criteria: Invitae Variant Classification Sherloc (09022015). Collection method: clinical testing. Allele origin: germline.
Comment: This sequence change replaces glycine, which is neutral and non-polar, with glutamic acid, which is acidic and polar, at codon 2616 of the ALMS1 protein (p.Gly2616Glu). This variant is not present in population databases (gnomAD no frequency). This variant has not been reported in the literature in individuals affected with ALMS1-related conditions. Experimental studies and prediction algorithms are not available or were not evaluated, and the functional significance of this variant is currently unknown. In summary, the available evidence is currently insufficient to determine the role of this variant in disease. Therefore, it has been classified as a Variant of Uncertain Significance.